The following is an entry in ClinVar:

ClinVar aggregate classification (germline): Uncertain significance (1 of 4 stars; one submission).

Conditions:
Hypertrophic cardiomyopathy. Also called: HYPERTROPHIC MYOCARDIOPATHY. Identifiers: Orphanet 217569, MedGen C0007194, MeSH D002312, MONDO:0005045, HP:0001639.

Submission:

Labcorp Genetics (formerly Invitae), Labcorp
Classification: Uncertain significance for Hypertrophic cardiomyopathy. Last evaluated: 2024-03-01. Review status: criteria provided, single submitter. Criteria: Invitae Variant Classification Sherloc (09022015). Collection method: clinical testing. Allele origin: germline.
Comment: This sequence change replaces glutamic acid, which is acidic and polar, with glycine, which is neutral and non-polar, at codon 1934 of the MYH7 protein (p.Glu1934Gly). This variant is not present in population databases (gnomAD no frequency). This variant has not been reported in the literature in individuals affected with MYH7-related conditions. Advanced modeling of protein sequence and biophysical properties (such as structural, functional, and spatial information, amino acid conservation, physicochemical variation, residue mobility, and thermodynamic stability) has been performed at Invitae for this missense variant, however the output from this modeling did not meet the statistical confidence thresholds required to predict the impact of this variant on MYH7 protein function. In summary, the available evidence is currently insufficient to determine the role of this variant in disease. Therefore, it has been classified as a Variant of Uncertain Significance.

NM_000257.4(MYH7):c.5801A>G (p.Glu1934Gly)

Gene: MYH7 (myosin heavy chain 7; minus strand). Cytogenetic location: 14q11.2.
Variant type: single nucleotide variant.
Coding change: c.5801A>G on transcript NM_000257.4 (MANE Select); coding-DNA position 5801, A replaced by G.
Protein change: p.Glu1934Gly; replaces glutamic acid 1934 with glycine.
Molecular consequence: missense variant.
Genome position (GRCh38, 1-based): chr14:23,412,861, T>C on the plus strand (A>G on the coding strand, the complement: MYH7 is on the minus strand). VCF-style: chr14-23412861-T-C. GRCh37 (hg19) VCF-style: chr14-23882070-T-C.
Other names: c.5801A>G, p.Glu1934Gly (NM_001407004.1); short protein forms E1934G.
Identifiers: ClinVar variation 3628684 (VCV003628684.2).